The following is an entry in ClinVar:

ClinVar aggregate classification (germline): Likely benign. Review status: criteria provided, multiple submitters, no conflicts (2 of 4 stars). 3 submissions from 3 submitters: Likely benign (3). Last evaluated 2025-07-27.

Conditions:
Melnick-Fraser syndrome (BOR). Also called: Branchio-oto-renal syndrome; Branchiootorenal syndrome; Branchiootorenal Syndrome (BORS). Identifiers: Orphanet 107, MedGen C0265234, MONDO:0007029.

Allele frequency attached by ClinVar (database versions not stated): TOPMed 0.00002; gnomAD exomes 0.00003; ExAC 0.00005.
gnomAD v4.1: 38 of 1,614,038 alleles (0.0024%); highest among the groups gnomAD compares: Middle Eastern, 0.016%; no homozygotes.

Submissions (3):

Labcorp Genetics (formerly Invitae), Labcorp
Classification: Likely benign for Melnick-Fraser syndrome. Last evaluated: 2025-07-27. Review status: criteria provided, single submitter. Criteria: Invitae Variant Classification Sherloc (09022015). Collection method: clinical testing. Allele origin: germline.

Blueprint Genetics
Classification: Likely benign. Last evaluated: 2024-08-22. Review status: criteria provided, single submitter. Criteria: ACMG Guidelines, 2015. Collection method: clinical testing. Allele origin: germline.

Laboratory for Molecular Medicine, Mass General Brigham Personalized Medicine
Classification: Likely benign. Last evaluated: 2013-09-04. Review status: criteria provided, single submitter. Criteria: LMM Criteria. Collection method: clinical testing. Allele origin: germline. Observed: 1 variant allele.
Comment: Thr475Thr in exon 14 of EYA1: This variant is not expected to have clinical sign ificance because it does not alter an amino acid residue and is not located with in the splice consensus sequence.

NM_000503.6(EYA1):c.1425C>T (p.Thr475=)

Gene: EYA1 (EYA transcriptional coactivator and phosphatase 1; minus strand). Cytogenetic location: 8q13.3.
Variant type: single nucleotide variant.
Coding change: c.1425C>T on transcript NM_000503.6 (MANE Select); coding-DNA position 1425, C replaced by T.
Protein change: p.Thr475=; no amino-acid change (threonine 475 retained).
Molecular consequence: synonymous variant.
Genome position (GRCh38, 1-based): chr8:71,215,664, G>A on the plus strand (C>T on the coding strand, the complement: EYA1 is on the minus strand). VCF-style: chr8-71215664-G-A. GRCh37 (hg19) VCF-style: chr8-72127899-G-A.
Other names: c.1407C>T, p.Thr469= (NM_001288574.2, NM_172059.5); c.1059C>T, p.Thr353= (NM_001288575.2); c.1512C>T, p.Thr504= (NM_001370333.1); c.1425C>T, p.Thr475= (NM_001370334.1, NM_001370335.1, NM_172058.4); c.1404C>T, p.Thr468= (NM_001370336.1).
Identifiers: ClinVar variation 163428 (VCV000163428.7), dbSNP rs727503043, ClinGen allele CA176067.